The following is an entry in ClinVar:

NM_005732.4(RAD50):c.1177A>G (p.Ile393Val)

Gene: RAD50 (RAD50 double strand break repair protein; plus strand). Cytogenetic location: 5q31.1.
Variant type: single nucleotide variant.
Coding change: c.1177A>G on transcript NM_005732.4 (MANE Select); coding-DNA position 1177, A replaced by G.
Protein change: p.Ile393Val; replaces isoleucine 393 with valine.
Molecular consequence: missense variant.
Genome position (GRCh38, 1-based): chr5:132,588,812, A>G. VCF-style: chr5-132588812-A-G. GRCh37 (hg19) VCF-style: chr5-131924504-A-G.
Other names: short protein forms I393V.
Identifiers: ClinVar variation 408394 (VCV000408394.10), dbSNP rs1060501962, ClinGen allele CA16611727.

ClinVar aggregate classification (germline): Uncertain significance. Review status: criteria provided, multiple submitters, no conflicts (2 of 4 stars). 2 submissions from 2 submitters: Uncertain significance (2). Last evaluated 2025-02-02.

Conditions:
Hereditary cancer-predisposing syndrome. Also called: Hereditary Cancer Syndrome; Hereditary neoplastic syndrome; Neoplastic Syndromes, Hereditary; Tumor predisposition. Identifiers: Orphanet 140162, MedGen C0027672, MeSH D009386, MONDO:0015356.

Allele frequency attached by ClinVar (database versions not stated): gnomAD 0.00001; TOPMed 0.00002.
gnomAD v4.1: 1 of 1,613,994 alleles (0.000062%); highest among the groups gnomAD compares: African/African-American, 0.0013%; no homozygotes.

Submissions (2):

Ambry Genetics
Classification: Uncertain significance for Hereditary cancer-predisposing syndrome. Last evaluated: 2025-02-02. Review status: criteria provided, single submitter. Criteria: Ambry Variant Classification Scheme 2023. Collection method: clinical testing. Allele origin: germline.
Comment: The p.I393V variant (also known as c.1177A>G), located in coding exon 8 of the RAD50 gene, results from an A to G substitution at nucleotide position 1177. The isoleucine at codon 393 is replaced by valine, an amino acid with highly similar properties. This amino acid position is conserved. In addition, this alteration is predicted to be tolerated by in silico analysis. Since supporting evidence is limited at this time, the clinical significance of this alteration remains unclear.

Labcorp Genetics (formerly Invitae), Labcorp
Classification: Uncertain significance for Hereditary cancer-predisposing syndrome. Last evaluated: 2024-02-20. Review status: criteria provided, single submitter. Criteria: Invitae Variant Classification Sherloc (09022015). Collection method: clinical testing. Allele origin: germline.
Comment: This sequence change replaces isoleucine, which is neutral and non-polar, with valine, which is neutral and non-polar, at codon 393 of the RAD50 protein (p.Ile393Val). This variant is not present in population databases (gnomAD no frequency). This variant has not been reported in the literature in individuals affected with RAD50-related conditions. ClinVar contains an entry for this variant (Variation ID: 408394). Advanced modeling of protein sequence and biophysical properties (such as structural, functional, and spatial information, amino acid conservation, physicochemical variation, residue mobility, and thermodynamic stability) performed at Invitae indicates that this missense variant is not expected to disrupt RAD50 protein function with a negative predictive value of 80%. In summary, the available evidence is currently insufficient to determine the role of this variant in disease. Therefore, it has been classified as a Variant of Uncertain Significance.